The following is an entry in ClinVar:

ClinVar aggregate classification (germline): Uncertain significance (1 of 4 stars; one submission).

Conditions:
Alstrom syndrome (ALMS). Identifiers: Orphanet 64, MedGen C0268425, MONDO:0008763, OMIM 203800.

Allele frequency attached by ClinVar (database versions not stated): ExAC 0.00001.
gnomAD v4.1: 3 of 1,614,192 alleles (0.00019%); highest among the groups gnomAD compares: South Asian, 0.0033%; no homozygotes.

Submission:

Labcorp Genetics (formerly Invitae), Labcorp
Classification: Uncertain significance for Alstrom syndrome. Last evaluated: 2022-03-25. Review status: criteria provided, single submitter. Criteria: Invitae Variant Classification Sherloc (09022015). Collection method: clinical testing. Allele origin: germline.
Comment: This sequence change replaces methionine, which is neutral and non-polar, with valine, which is neutral and non-polar, at codon 2848 of the ALMS1 protein (p.Met2848Val). This variant is present in population databases (rs772252340, gnomAD 0.003%). This variant has not been reported in the literature in individuals affected with ALMS1-related conditions. Experimental studies and prediction algorithms are not available or were not evaluated, and the functional significance of this variant is currently unknown. In summary, the available evidence is currently insufficient to determine the role of this variant in disease. Therefore, it has been classified as a Variant of Uncertain Significance.

NM_001378454.1(ALMS1):c.8539A>G (p.Met2847Val)

Gene: ALMS1 (ALMS1 centrosome and basal body associated protein; plus strand). Cytogenetic location: 2p13.1.
Variant type: single nucleotide variant.
Coding change: c.8539A>G on transcript NM_001378454.1 (MANE Select); coding-DNA position 8539, A replaced by G.
Protein change: p.Met2847Val; replaces methionine 2847 with valine.
Molecular consequence: missense variant.
Genome position (GRCh38, 1-based): chr2:73,490,498, A>G. VCF-style: chr2-73490498-A-G. GRCh37 (hg19) VCF-style: chr2-73717625-A-G.
Other names: c.8542A>G, p.Met2848Val (NM_015120.4); short protein forms M2847V, M2848V.
Identifiers: ClinVar variation 1954166 (VCV001954166.2), dbSNP rs772252340, ClinGen allele CA1714486.